The following is an entry in ClinVar:

ClinVar aggregate classification (germline): Likely pathogenic (1 of 4 stars; one submission).

Conditions:
Hyper-IgE recurrent infection syndrome 1, autosomal dominant. Also called: STAT3 Hyper IgE Syndrome; JOB SYNDROME; Hyper-IgE recurrent infection syndrome 1; HYPER-IgE SYNDROME 1, AUTOSOMAL DOMINANT, WITH RECURRENT INFECTIONS; Job's Syndrome. Identifiers: Orphanet 2314, MedGen C2936739, MONDO:0007818, OMIM 147060.
STAT3 gain of function. Identifiers: MedGen C4288261.

Submission:

Labcorp Genetics (formerly Invitae), Labcorp
Classification: Likely pathogenic for STAT3 gain of function; Hyper-IgE recurrent infection syndrome 1, autosomal dominant. Last evaluated: 2025-08-04. Review status: criteria provided, single submitter. Criteria: Invitae Variant Classification Sherloc (09022015). Collection method: clinical testing. Allele origin: germline.
Comment: This sequence change replaces tyrosine, which is neutral and polar, with histidine, which is basic and polar, at codon 705 of the STAT3 protein (p.Tyr705His). This variant is not present in population databases (gnomAD no frequency). This missense change has been observed in individuals with clinical features of hyper IgE syndrome (PMID: 28197791; internal data). ClinVar contains an entry for this variant (Variation ID: 946676). Invitae Evidence Modeling of protein sequence and biophysical properties (such as structural, functional, and spatial information, amino acid conservation, physicochemical variation, residue mobility, and thermodynamic stability) indicates that this missense variant is expected to disrupt STAT3 protein function with a positive predictive value of 80%. This variant disrupts the p.Tyr705 amino acid residue in STAT3. Other variant(s) that disrupt this residue have been determined to be pathogenic (PMID: 19577286, 31596517). This suggests that this residue is clinically significant, and that variants that disrupt this residue are likely to be disease-causing. In summary, the currently available evidence indicates that the variant is pathogenic, but additional data are needed to prove that conclusively. Therefore, this variant has been classified as Likely Pathogenic.

Literature cited by the submitters: PubMed 28197791; PubMed 19577286; PubMed 31596517.

NM_139276.3(STAT3):c.2113T>C (p.Tyr705His)

Gene: STAT3 (signal transducer and activator of transcription 3; minus strand). Cytogenetic location: 17q21.2.
Variant type: single nucleotide variant.
Coding change: c.2113T>C on transcript NM_139276.3 (MANE Select); coding-DNA position 2113, T replaced by C.
Protein change: p.Tyr705His; replaces tyrosine 705 with histidine.
Molecular consequence: missense variant.
Genome position (GRCh38, 1-based): chr17:42,317,213, A>G on the plus strand (T>C on the coding strand, the complement: STAT3 is on the minus strand). VCF-style: chr17-42317213-A-G. GRCh37 (hg19) VCF-style: chr17-40469231-A-G.
Other names: c.2113T>C, p.Tyr705His (NM_001369512.1, NM_001369513.1, NM_001369517.1 and 2 more transcripts); c.2110T>C, p.Tyr704His (NM_001369514.1, NM_001369516.1, NM_001369519.1 and 2 more transcripts); short protein forms Y704H, Y705H.
Identifiers: ClinVar variation 946676 (VCV000946676.10), dbSNP rs2081288410, ClinGen allele CA399580242.